The following is an entry in ClinVar:

NM_001844.5(COL2A1):c.429+2T>G

Gene: COL2A1 (collagen type II alpha 1 chain; minus strand). Cytogenetic location: 12q13.11.
Variant type: single nucleotide variant.
Coding change: c.429+2T>G on transcript NM_001844.5 (MANE Select); the canonical splice donor site of the intron after coding-DNA position 429, T replaced by G.
Molecular consequence: splice donor variant.
Genome position (GRCh38, 1-based): chr12:47,997,869, A>C on the plus strand (T>G on the coding strand, the complement: COL2A1 is on the minus strand). VCF-style: chr12-47997869-A-C. GRCh37 (hg19) VCF-style: chr12-48391652-A-C.
Other names: c.222+2T>G (NM_033150.3).
Identifiers: ClinVar variation 1709860 (VCV001709860.2), dbSNP rs2540181315, ClinGen allele CA384524928.

ClinVar aggregate classification (germline): Likely pathogenic (1 of 4 stars; one submission).

Conditions:
Stickler syndrome type 1 (STL1). Also called: ARTHROOPHTHALMOPATHY, HEREDITARY PROGRESSIVE; STICKLER SYNDROME, MEMBRANOUS VITREOUS TYPE; STICKLER SYNDROME, VITREOUS TYPE 1; COL2A1-Related Stickler Syndrome. Identifiers: Orphanet 828, Orphanet 90653, MedGen C2020284, MONDO:0007160, OMIM 108300.

Submission:

MGZ Medical Genetics Center
Classification: Likely pathogenic for Stickler syndrome type 1. Last evaluated: 2021-08-06. Review status: criteria provided, single submitter. Criteria: ACMG Guidelines, 2015. Collection method: clinical testing. Allele origin: germline. Affected: yes. Observed: 1 variant allele.
Comment: ACMG criteria applied: PVS1, PM2_SUP